The following is an entry in ClinVar:

ClinVar aggregate classification (germline): Uncertain significance (1 of 4 stars; one submission).

Submission:

GeneDx
Classification: Uncertain significance. Last evaluated: 2023-12-20. Review status: criteria provided, single submitter. Criteria: GeneDx Variant Classification Process June 2021. Collection method: clinical testing. Allele origin: germline. Affected: yes.
Comment: Not observed at significant frequency in large population cohorts (gnomAD); In silico analysis supports that this missense variant has a deleterious effect on protein structure/function; Has not been previously published as pathogenic or benign to our knowledge

NM_001127222.2(CACNA1A):c.4618G>C (p.Ala1540Pro)

Gene: CACNA1A (calcium voltage-gated channel subunit alpha1 A; minus strand). Cytogenetic location: 19p13.13.
Variant type: single nucleotide variant.
Coding change: c.4618G>C on transcript NM_001127222.2 (MANE Select); coding-DNA position 4618, G replaced by C.
Protein change: p.Ala1540Pro; replaces alanine 1540 with proline.
Molecular consequence: missense variant.
Genome position (GRCh38, 1-based): chr19:13,255,232, C>G on the plus strand (G>C on the coding strand, the complement: CACNA1A is on the minus strand). VCF-style: chr19-13255232-C-G. GRCh37 (hg19) VCF-style: chr19-13366046-C-G.
Other names: c.4630G>C, p.Ala1544Pro (NM_000068.4, NM_023035.3); c.4621G>C, p.Ala1541Pro (NM_001127221.2, NM_001174080.2); short protein forms A1540P, A1541P, A1544P.
Identifiers: ClinVar variation 3365749 (VCV003365749.1).